The following is an entry in ClinVar:

ClinVar aggregate classification (germline): Uncertain significance. Review status: criteria provided, multiple submitters, no conflicts (2 of 4 stars). 2 submissions from 2 submitters: Uncertain significance (2). Last evaluated 2024-11-24.

Conditions:
Cardiovascular phenotype. Identifiers: MedGen CN230736.
Long QT syndrome (LQTS). Identifiers: MedGen C0023976, MeSH D008133, MONDO:0002442. Disease mechanism: loss of function. Inheritance: Various modes of inheritance.

Submissions (2):

Labcorp Genetics (formerly Invitae), Labcorp
Classification: Uncertain significance for Long QT syndrome. Last evaluated: 2024-11-24. Review status: criteria provided, single submitter. Criteria: Invitae Variant Classification Sherloc (09022015). Collection method: clinical testing. Allele origin: germline.
Comment: This sequence change replaces valine, which is neutral and non-polar, with glycine, which is neutral and non-polar, at codon 796 of the KCNH2 protein (p.Val796Gly). This variant is not present in population databases (gnomAD no frequency). This missense change has been observed in individuals with long QT syndrome (PMID: 25294783; internal data). ClinVar contains an entry for this variant (Variation ID: 518748). An algorithm developed to predict the effect of missense changes on protein structure and function (PolyPhen-2) suggests that this variant is likely to be disruptive. This variant disrupts the p.Val796 amino acid residue in KCNH2. Other variant(s) that disrupt this residue have been observed in individuals with KCNH2-related conditions (internal data), which suggests that this may be a clinically significant amino acid residue. In summary, the available evidence is currently insufficient to determine the role of this variant in disease. Therefore, it has been classified as a Variant of Uncertain Significance.

Ambry Genetics
Classification: Uncertain significance for Cardiovascular phenotype. Last evaluated: 2017-11-20. Review status: criteria provided, single submitter. Criteria: Ambry Variant Classification Scheme 2023. Collection method: clinical testing. Allele origin: germline.
Comment: The p.V796G variant (also known as c.2387T>G), located in coding exon 9 of the KCNH2 gene, results from a T to G substitution at nucleotide position 2387. The valine at codon 796 is replaced by glycine, an amino acid with dissimilar properties. This alteration has been reported in an individual with long QT syndrome (Vijayakumar R et al. Circulation, 2014 Nov;130:1936-1943). This amino acid position is highly conserved in available vertebrate species. In addition, this alteration is predicted to be deleterious by in silico analysis. Since supporting evidence is limited at this time, the clinical significance of this alteration remains unclear.

Literature cited by the submitters: PubMed 25294783 (cited by Labcorp Genetics (formerly Invitae), Labcorp and Ambry Genetics).

NM_000238.4(KCNH2):c.2387T>G (p.Val796Gly)

Gene: KCNH2 (potassium voltage-gated channel subfamily H member 2; minus strand). Cytogenetic location: 7q36.1.
Variant type: single nucleotide variant.
Coding change: c.2387T>G on transcript NM_000238.4 (MANE Select); coding-DNA position 2387, T replaced by G.
Protein change: p.Val796Gly; replaces valine 796 with glycine.
Molecular consequence: missense variant.
Genome position (GRCh38, 1-based): chr7:150,950,179, A>C on the plus strand (T>G on the coding strand, the complement: KCNH2 is on the minus strand). VCF-style: chr7-150950179-A-C. GRCh37 (hg19) VCF-style: chr7-150647267-A-C.
Other names: c.1367T>G, p.Val456Gly (NM_001204798.2, NM_172057.3); c.2099T>G, p.Val700Gly (NM_001406753.1, NM_001406756.1); c.2210T>G, p.Val737Gly (NM_001406755.1); c.2087T>G, p.Val696Gly (NM_001406757.1); c.2387T>G, p.Val796Gly (NM_172056.3); short protein forms V456G, V796G, V696G, V737G, V700G.
Identifiers: ClinVar variation 518748 (VCV000518748.10), dbSNP rs1554425163, ClinGen allele CA369855999.